The following is an entry in ClinVar:

ClinVar aggregate classification (germline): Pathogenic/Likely pathogenic. Review status: criteria provided, multiple submitters, no conflicts (2 of 4 stars). 3 submissions from 3 submitters: Pathogenic (1); Likely pathogenic (2). Last evaluated 2025-11-12.

Conditions:
Pontocerebellar hypoplasia type 6 (PCH6). Identifiers: Orphanet 166073, MedGen C1969084, MONDO:0012683, OMIM 611523.

Submissions (3):

Natera, Inc.
Classification: Likely pathogenic for Pontocerebellar hypoplasia, type 6. Last evaluated: 2025-11-12. Review status: criteria provided, single submitter. Criteria: Natera Variant Classification Schema (03/2026). Collection method: clinical testing. Allele origin: germline.
Comment: The c.233_234delTG variant in RARS2 is a frameshift variant predicted to shift the reading frame beginning at codon 78 and leads to a stop codon 2 codons downstream. This variant is expected to result in nonsense mediated decay, truncation, or a dysfunctional protein product. This variant is rare in the general population with a frequency below the threshold expected for the associated phenotype(s). Given the available evidence, this variant is classified as Likely Pathogenic.

Baylor Genetics
Classification: Likely pathogenic for Pontocerebellar hypoplasia type 6. Last evaluated: 2023-08-06. Review status: criteria provided, single submitter. Criteria: ACMG Guidelines, 2015. Collection method: clinical testing. Allele origin: unknown.

Labcorp Genetics (formerly Invitae), Labcorp
Classification: Pathogenic. Last evaluated: 2022-04-10. Review status: criteria provided, single submitter. Criteria: Invitae Variant Classification Sherloc (09022015). Collection method: clinical testing. Allele origin: germline.
Comment: This sequence change creates a premature translational stop signal (p.Val78Glufs*2) in the RARS2 gene. It is expected to result in an absent or disrupted protein product. Loss-of-function variants in RARS2 are known to be pathogenic (PMID: 17847012, 22569581, 26083569). This variant is not present in population databases (gnomAD no frequency). This variant has not been reported in the literature in individuals affected with RARS2-related conditions. ClinVar contains an entry for this variant (Variation ID: 652283). For these reasons, this variant has been classified as Pathogenic.

Literature cited by the submitters: PubMed 17847012 (cited by Labcorp Genetics (formerly Invitae), Labcorp); PubMed 22569581 (cited by Labcorp Genetics (formerly Invitae), Labcorp); PubMed 26083569 (cited by Labcorp Genetics (formerly Invitae), Labcorp).

NM_020320.5(RARS2):c.233_234del (p.Val78fs)

Gene: RARS2 (arginyl-tRNA synthetase 2, mitochondrial; minus strand). Cytogenetic location: 6q15.
Variant type: Deletion.
Coding change: c.233_234del on transcript NM_020320.5 (MANE Select); coding-DNA positions 233 to 234, 2 bases deleted (TG; older notation c.233_234delTG).
Protein change: p.Val78fs; shifts the reading frame from valine 78.
Molecular consequence: frameshift variant. On other transcripts: 5 prime UTR variant (7), non-coding transcript variant (23).
Genome position (GRCh38, 1-based): chr6:87,562,765-87,562,766, CA deleted on the plus strand (TG on the coding strand, the reverse complement: RARS2 is on the minus strand); deleting any 2 consecutive bases within chr6:87,562,765-87,562,767 gives the same sequence; the c. name uses the placement nearest the transcript's 3' end. VCF-style (leftmost placement, unchanged base first): chr6-87562764-TCA-T. GRCh37 (hg19) VCF-style: chr6-88272482-TCA-T.
Other names: c.-237_-236del (NM_001318785.2, NM_001350509.2); c.233_234del, p.Val78fs (NM_001350505.2); c.-293_-292del (NM_001350506.2, NM_001350507.2, NM_001350510.2 and 1 more transcripts); c.-455_-454del (NM_001350508.2); c.233_234delTG (NM_020320.4); short protein forms V78fs.
Identifiers: ClinVar variation 652283 (VCV000652283.8), dbSNP rs1582712331, ClinGen allele CA915944367.
Genomic context (GRCh38, chr6:87,562,764, plus strand): 5'-TTGTTAAGAGCTCTCTGTTTATTTTGAAATTTACAGTCCTTTGACCAGTACTGATTTCAC[TCA>T]CCACTGTATCACATCTTAGCTGAAAAGAACAAATCACACAAAGTAGGTATGTTATATAAT-3'